The following is an entry in ClinVar:

ClinVar aggregate classification (germline): Pathogenic (1 of 4 stars; one submission).

Submission:

GeneDx
Classification: Pathogenic. Last evaluated: 2024-05-09. Review status: criteria provided, single submitter. Criteria: GeneDx Variant Classification Process June 2021. Collection method: clinical testing. Allele origin: germline. Affected: yes.
Comment: Canonical splice site variant expected to result in aberrant splicing, although in the absence of functional evidence the actual effect of this sequence change is unknown.; Not observed at significant frequency in large population cohorts (gnomAD); Has not been previously published as pathogenic or benign to our knowledge

NM_013275.6(ANKRD11):c.7714-2A>G

Gene: ANKRD11 (ankyrin repeat domain containing 11; minus strand). Cytogenetic location: 16q24.3.
Variant type: single nucleotide variant.
Coding change: c.7714-2A>G on transcript NM_013275.6 (MANE Select); the canonical splice acceptor site of the intron before coding-DNA position 7714, A replaced by G.
Molecular consequence: splice acceptor variant.
Genome position (GRCh38, 1-based): chr16:89,270,911, T>C on the plus strand (A>G on the coding strand, the complement: ANKRD11 is on the minus strand). VCF-style: chr16-89270911-T-C. GRCh37 (hg19) VCF-style: chr16-89337319-T-C.
Other names: c.7714-2A>G (NM_001256183.2, NM_001256182.2).
Identifiers: ClinVar variation 280842 (VCV000280842.5), dbSNP rs886041976, ClinGen allele CA10603283.